The following is an entry in ClinVar:

NM_198334.3(GANAB):c.491G>A (p.Arg164Gln)

Gene: GANAB (glucosidase II alpha subunit; minus strand). Cytogenetic location: 11q12.3.
Variant type: single nucleotide variant.
Coding change: c.491G>A on transcript NM_198334.3 (MANE Select); coding-DNA position 491, G replaced by A.
Protein change: p.Arg164Gln; replaces arginine 164 with glutamine.
Molecular consequence: missense variant. On other transcripts: 5 prime UTR variant (2).
Genome position (GRCh38, 1-based): chr11:62,634,890, C>T on the plus strand (G>A on the coding strand, the complement: GANAB is on the minus strand). VCF-style: chr11-62634890-C-T. GRCh37 (hg19) VCF-style: chr11-62402362-C-T.
Other names: c.149G>A, p.Arg50Gln (NM_001278192.2, NM_001278193.2); c.200G>A, p.Arg67Gln (NM_001278194.2, NM_001329222.2, NM_001329223.2); c.-286G>A (NM_001329224.2, NM_001329225.2); c.491G>A, p.Arg164Gln (NM_198335.4); c.491G>A (NM_198335.2); short protein forms R164Q, R67Q, R50Q.
Identifiers: ClinVar variation 1462329 (VCV001462329.8), dbSNP rs1250954225, ClinGen allele CA380995856.

ClinVar aggregate classification (germline): Uncertain significance. Review status: criteria provided, multiple submitters, no conflicts (2 of 4 stars). 3 submissions from 3 submitters: Uncertain significance (3). Last evaluated 2024-03-20.

Conditions:
Polycystic kidney disease 3 with or without polycystic liver disease. Also called: Polycystic kidney disease 3; POLYCYSTIC KIDNEY DISEASE, ADULT, TYPE III; Polycystic Kidney and/or Polycystic Liver Disease 3. Identifiers: MedGen C3887964, MONDO:0010916, OMIM 600666.
Inborn genetic diseases. Identifiers: MedGen C0950123, MeSH D030342.

Allele frequency attached by ClinVar (database versions not stated): TOPMed below 0.00001.
gnomAD v4.1: 4 of 1,614,038 alleles (0.00025%); highest among the groups gnomAD compares: East Asian, 0.0022%; no homozygotes.

Submissions (3):

Fulgent Genetics
Classification: Uncertain significance for Polycystic kidney disease 3 with or without polycystic liver disease. Last evaluated: 2024-03-20. Review status: criteria provided, single submitter. Criteria: ACMG Guidelines, 2015. Collection method: clinical testing. Allele origin: germline.

Labcorp Genetics (formerly Invitae), Labcorp
Classification: Uncertain significance. Last evaluated: 2022-09-06. Review status: criteria provided, single submitter. Criteria: Invitae Variant Classification Sherloc (09022015). Collection method: clinical testing. Allele origin: germline.
Comment: Advanced modeling of protein sequence and biophysical properties (such as structural, functional, and spatial information, amino acid conservation, physicochemical variation, residue mobility, and thermodynamic stability) performed at Invitae indicates that this missense variant is not expected to disrupt GANAB protein function. ClinVar contains an entry for this variant (Variation ID: 1462329). This variant has not been reported in the literature in individuals affected with GANAB-related conditions. This variant is not present in population databases (gnomAD no frequency). This sequence change replaces arginine, which is basic and polar, with glutamine, which is neutral and polar, at codon 164 of the GANAB protein (p.Arg164Gln). In summary, the available evidence is currently insufficient to determine the role of this variant in disease. Therefore, it has been classified as a Variant of Uncertain Significance.

Ambry Genetics
Classification: Uncertain significance for Inborn genetic diseases. Last evaluated: 2021-06-18. Review status: criteria provided, single submitter. Criteria: Ambry Variant Classification Scheme 2023. Collection method: clinical testing. Allele origin: germline.